The following is an entry in ClinVar:

ClinVar aggregate classification (germline): Benign/Likely benign. Review status: criteria provided, multiple submitters, no conflicts (2 of 4 stars). 2 submissions from 2 submitters: Benign (1); Likely benign (1). Last evaluated 2026-04-15.

Conditions:
DICER1-related tumor predisposition. Also called: DICER1-related pleuropulmonary blastoma cancer predisposition syndrome; DICER1 syndrome. Identifiers: Orphanet 284343, MedGen C3839822, MONDO:0100216.

Allele frequency attached by ClinVar (database versions not stated): gnomAD exomes 0.00001.
gnomAD v4.1: 3 of 1,612,096 alleles (0.00019%); highest among the groups gnomAD compares: Admixed American, 0.0017%; no homozygotes.

Submissions (2):

Myriad Genetics, Inc.
Classification: Benign for DICER1-related tumor predisposition. Last evaluated: 2026-04-15. Review status: criteria provided, single submitter. Criteria: Myriad Autosomal Dominant, Autosomal Recessive and X-Linked Classification Criteria (2023). Collection method: clinical testing. Allele origin: unknown.
Comment: This variant is considered benign. This variant is a silent/synonymous amino acid change and it is not expected to impact splicing.

Labcorp Genetics (formerly Invitae), Labcorp
Classification: Likely benign for DICER1-related tumor predisposition. Last evaluated: 2023-09-03. Review status: criteria provided, single submitter. Criteria: Invitae Variant Classification Sherloc (09022015). Collection method: clinical testing. Allele origin: germline.

NM_177438.3(DICER1):c.1737C>T (p.Tyr579=)

Gene: DICER1 (dicer 1, ribonuclease III; minus strand). Cytogenetic location: 14q32.13.
Variant type: single nucleotide variant.
Coding change: c.1737C>T on transcript NM_177438.3 (MANE Select); coding-DNA position 1737, C replaced by T.
Protein change: p.Tyr579=; no amino-acid change (tyrosine 579 retained).
Molecular consequence: synonymous variant. On other transcripts: non-coding transcript variant (6).
Genome position (GRCh38, 1-based): chr14:95,116,468, G>A on the plus strand (C>T on the coding strand, the complement: DICER1 is on the minus strand). VCF-style: chr14-95116468-G-A. GRCh37 (hg19) VCF-style: chr14-95582805-G-A.
Other names: c.1737C>T, p.Tyr579= (NM_001195573.1, NM_001271282.3, NM_001291628.2 and 13 more transcripts); c.1455C>T, p.Tyr485= (NM_001395686.1); c.1332C>T, p.Tyr444= (NM_001395687.1, NM_001395688.1, NM_001395689.1 and 3 more transcripts); c.1170C>T, p.Tyr390= (NM_001395691.1); c.54C>T, p.Tyr18= (NM_001395697.1).
Identifiers: ClinVar variation 2733001 (VCV002733001.4), dbSNP rs527269766, ClinGen allele CA265916453.